The following is an entry in ClinVar:

ClinVar aggregate classification (germline): Uncertain significance (1 of 4 stars; one submission).

Conditions:
Nephronophthisis. Also called: Juvenile Nephronophthisis. Identifiers: Orphanet 655, MedGen C0687120, MONDO:0019005, HP:0000090.

Submission:

Labcorp Genetics (formerly Invitae), Labcorp
Classification: Uncertain significance for Nephronophthisis. Last evaluated: 2022-02-10. Review status: criteria provided, single submitter. Criteria: Invitae Variant Classification Sherloc (09022015). Collection method: clinical testing. Allele origin: germline.
Comment: This sequence change replaces tyrosine, which is neutral and polar, with cysteine, which is neutral and slightly polar, at codon 98 of the NPHP3 protein (p.Tyr98Cys). This variant is not present in population databases (gnomAD no frequency). This variant has not been reported in the literature in individuals affected with NPHP3-related conditions. ClinVar contains an entry for this variant (Variation ID: 462727). Algorithms developed to predict the effect of missense changes on protein structure and function are either unavailable or do not agree on the potential impact of this missense change (SIFT: "Deleterious"; PolyPhen-2: "Probably Damaging"; Align-GVGD: "Class C0"). In summary, the available evidence is currently insufficient to determine the role of this variant in disease. Therefore, it has been classified as a Variant of Uncertain Significance.

NM_153240.5(NPHP3):c.293A>G (p.Tyr98Cys)

Genes: NPHP3 (nephrocystin 3; minus strand), NPHP3-ACAD11 (NPHP3-ACAD11 readthrough (NMD candidate); minus strand), NPHP3-AS1 (NPHP3 antisense RNA 1; plus strand). Cytogenetic location: 3q22.1.
Variant type: single nucleotide variant.
Coding change: c.293A>G on transcript NM_153240.5 (MANE Select); coding-DNA position 293, A replaced by G.
Protein change: p.Tyr98Cys; replaces tyrosine 98 with cysteine.
Molecular consequence: missense variant. On other transcripts: non-coding transcript variant (3).
Genome position (GRCh38, 1-based): chr3:132,722,063, T>C on the plus strand (A>G on the coding strand, the complement: NPHP3 is on the minus strand). VCF-style: chr3-132722063-T-C. GRCh37 (hg19) VCF-style: chr3-132440907-T-C.
Other names: short protein forms Y98C.
Identifiers: ClinVar variation 462727 (VCV000462727.8), dbSNP rs1553775714, ClinGen allele CA354589063.